The following is an entry in ClinVar:

NM_016222.4(DDX41):c.571+1G>A

Gene: DDX41 (DEAD-box helicase 41; minus strand). Cytogenetic location: 5q35.3.
Variant type: single nucleotide variant.
Coding change: c.571+1G>A on transcript NM_016222.4 (MANE Select); the canonical splice donor site of the intron after coding-DNA position 571, G replaced by A.
Molecular consequence: splice donor variant.
Genome position (GRCh38, 1-based): chr5:177,515,684, C>T on the plus strand (G>A on the coding strand, the complement: DDX41 is on the minus strand). VCF-style: chr5-177515684-C-T. GRCh37 (hg19) VCF-style: chr5-176942685-C-T.
Other names: c.193+1G>A (NM_001321830.2, NM_001321732.2); c.571+1G>A (NM_016222.2).
Identifiers: ClinVar variation 3689299 (VCV003689299.4).
Genomic context (GRCh38, chr5:177,515,684, plus strand): 5'-GACATAACCTCACAGGCATTTGATTATAAAAGTGTGGTATCTCTCTCCAGCCCCTGACTA[C>T]CTGCAGGAAACTTCATTTCCTTGAAGCTCTTGATGGGTGGTGGGATACCGTCTCCCTCCA-3'

ClinVar aggregate classification (germline): Likely pathogenic. Review status: criteria provided, multiple submitters, no conflicts (2 of 4 stars). 3 submissions from 3 submitters: Likely pathogenic (3). Last evaluated 2025-12-29.

Conditions:
Inborn genetic diseases. Identifiers: MedGen C0950123, MeSH D030342.

gnomAD v4.1: 1 of 1,613,956 alleles (0.000062%); highest among the groups gnomAD compares: Non-Finnish European, 0.000085%; no homozygotes.

Submissions (3):

Dasa
Classification: Likely pathogenic. Last evaluated: 2025-12-29. Review status: criteria provided, single submitter. Criteria: DASA Assertion Criteria. Collection method: clinical testing. Allele origin: germline.
Comment: NM_016222.4(DDX41):c.571+1G>A introduces a premature termination codon predicted to result in loss of normal protein function. Loss-of-function is an established mechanism of disease for this gene. The variant is present at low frequency in population datasets. Based on the available data, this variant is classified as likely pathogenic.

Ambry Genetics
Classification: Likely pathogenic for Inborn genetic diseases. Last evaluated: 2025-10-27. Review status: criteria provided, single submitter. Criteria: Ambry Variant Classification Scheme 2023. Collection method: clinical testing. Allele origin: germline.
Comment: The c.571+1G>A intronic variant results from a G to A substitution one nucleotide after coding exon 6 of the DDX41 gene. This nucleotide position is highly conserved in available vertebrate species. In silico splice site analysis predicts that this alteration will weaken the native splice donor site and may result in the creation or strengthening of a novel splice donor site; however, direct evidence is insufficient at this time (Ambry internal data). This variant is considered to be rare based on population cohorts in the Genome Aggregation Database (gnomAD). Alterations that disrupt the canonical splice site are expected to cause aberrant splicing, resulting in an abnormal protein or a transcript that is subject to nonsense-mediated mRNA decay. As such, this alteration is classified as likely pathogenic.

Labcorp Genetics (formerly Invitae), Labcorp
Classification: Likely pathogenic. Last evaluated: 2025-09-07. Review status: criteria provided, single submitter. Criteria: Invitae Variant Classification Sherloc (09022015). Collection method: clinical testing. Allele origin: germline.
Comment: This sequence change affects a donor splice site in intron 6 of the DDX41 gene. It is expected to disrupt RNA splicing. Variants that disrupt the donor or acceptor splice site typically lead to a loss of protein function (PMID: 16199547), and loss-of-function variants in DDX41 are known to be pathogenic (PMID: 26712909, 27133828). This variant is not present in population databases (gnomAD no frequency). This variant has not been reported in the literature in individuals affected with DDX41-related conditions. ClinVar contains an entry for this variant (Variation ID: 3689299). Algorithms developed to predict the effect of sequence changes on RNA splicing suggest that this variant may disrupt the consensus splice site. In summary, the currently available evidence indicates that the variant is pathogenic, but additional data are needed to prove that conclusively. Therefore, this variant has been classified as Likely Pathogenic.

Literature cited by the submitters: PubMed 16199547 (cited by Labcorp Genetics (formerly Invitae), Labcorp); PubMed 26712909 (cited by Labcorp Genetics (formerly Invitae), Labcorp); PubMed 27133828 (cited by Labcorp Genetics (formerly Invitae), Labcorp).